The following is an entry in ClinVar:

ClinVar aggregate classification (germline): Uncertain significance. Review status: criteria provided, multiple submitters, no conflicts (2 of 4 stars). 2 submissions from 2 submitters: Uncertain significance (2). Last evaluated 2021-08-26.

Conditions:
Retinitis pigmentosa (RP). Identifiers: Orphanet 791, MedGen C0035334, MeSH D012174, MONDO:0019200, OMIM 268000. Inheritance: Autosomal dominant, autosomal recessive and X linked inheritance.

Allele frequency attached by ClinVar (database versions not stated): gnomAD exomes 0.00001; gnomAD 0.00002.
gnomAD v4.1: 21 of 1,610,464 alleles (0.0013%); highest among the groups gnomAD compares: Non-Finnish European, 0.0016%; no homozygotes.

Submissions (2):

Labcorp Genetics (formerly Invitae), Labcorp
Classification: Uncertain significance. Last evaluated: 2021-08-26. Review status: criteria provided, single submitter. Criteria: Invitae Variant Classification Sherloc (09022015). Collection method: clinical testing. Allele origin: germline.
Comment: This sequence change replaces isoleucine with threonine at codon 497 of the EYS protein (p.Ile497Thr). The isoleucine residue is highly conserved and there is a moderate physicochemical difference between isoleucine and threonine. This variant is not present in population databases (ExAC no frequency). This missense change has been observed in individual(s) with retinitis pigmentosa (Invitae). Algorithms developed to predict the effect of missense changes on protein structure and function output the following: SIFT: "Deleterious"; PolyPhen-2: "Benign"; Align-GVGD: "Class C25". The threonine amino acid residue is found in multiple mammalian species, which suggests that this missense change does not adversely affect protein function. In summary, the available evidence is currently insufficient to determine the role of this variant in disease. Therefore, it has been classified as a Variant of Uncertain Significance.

Illumina Laboratory Services, Illumina
Classification: Uncertain significance for Retinitis pigmentosa. Last evaluated: 2017-04-27. Review status: criteria provided, single submitter. Criteria: ICSL Variant Classification Criteria 13 December 2019. Collection method: clinical testing. Allele origin: germline.

NM_001142800.2(EYS):c.1490T>C (p.Ile497Thr)

Gene: EYS (EGF-like photoreceptor maintenance factor; minus strand). Cytogenetic location: 6q12.
Variant type: single nucleotide variant.
Coding change: c.1490T>C on transcript NM_001142800.2 (MANE Select); coding-DNA position 1490, T replaced by C.
Protein change: p.Ile497Thr; replaces isoleucine 497 with threonine.
Molecular consequence: missense variant.
Genome position (GRCh38, 1-based): chr6:65,344,147, A>G on the plus strand (T>C on the coding strand, the complement: EYS is on the minus strand). VCF-style: chr6-65344147-A-G. GRCh37 (hg19) VCF-style: chr6-66054040-A-G.
Other names: c.1490T>C, p.Ile497Thr (NM_001142801.2, NM_001292009.2, NM_198283.2); short protein forms I497T.
Identifiers: ClinVar variation 910843 (VCV000910843.7), dbSNP rs1417899816, ClinGen allele CA364661525.
Genomic context (GRCh38, chr6:65,344,147, plus strand): 5'-GGATCGTTCACATAGGTTGCATCTTCAGTGCAGTTTGCAGCCAGAAAGAAATAGGCATCA[A>G]TAACCCCTTGGCACTTTTCGCCTTCAGATCCTTTAAAAAAAAAGAGATAAAAAATTAAAT-3'
Protein context (NP_001136272.1, residues 487-507): GSEGEKCQGV[Ile497Thr]DAYFFLAANC